The following is an entry in ClinVar:

NM_005908.4(MANBA):c.671A>G (p.Tyr224Cys)

Gene: MANBA (mannosidase beta; minus strand). Cytogenetic location: 4q24.
Variant type: single nucleotide variant.
Coding change: c.671A>G on transcript NM_005908.4 (MANE Select); coding-DNA position 671, A replaced by G.
Protein change: p.Tyr224Cys; replaces tyrosine 224 with cysteine.
Molecular consequence: missense variant.
Genome position (GRCh38, 1-based): chr4:102,714,440, T>C on the plus strand (A>G on the coding strand, the complement: MANBA is on the minus strand). VCF-style: chr4-102714440-T-C. GRCh37 (hg19) VCF-style: chr4-103635597-T-C.
Other names: short protein forms Y224C.
Identifiers: ClinVar variation 1717991 (VCV001717991.5), dbSNP rs2476875801, ClinGen allele CA357773122.

ClinVar aggregate classification (germline): Uncertain significance (1 of 4 stars; one submission).

Conditions:
Beta-D-mannosidosis (MANSB). Also called: MANNOSIDOSIS, BETA A, LYSOSOMAL; BETA-MANNOSIDASE DEFICIENCY; LYSOSOMAL BETA-MANNOSIDASE DEFICIENCY; Beta-Mannosidosis. Identifiers: Orphanet 118, MedGen C4048196, MONDO:0009562, OMIM 248510.

Allele frequency attached by ClinVar (database versions not stated): gnomAD exomes below 0.00001.
gnomAD v4.1: 2 of 1,604,128 alleles (0.00012%); highest among the groups gnomAD compares: African/African-American, 0.0013%; no homozygotes.

Submission:

Labcorp Genetics (formerly Invitae), Labcorp
Classification: Uncertain significance for Beta-D-mannosidosis. Last evaluated: 2025-03-31. Review status: criteria provided, single submitter. Criteria: Invitae Variant Classification Sherloc (09022015). Collection method: clinical testing. Allele origin: germline.
Comment: This sequence change replaces tyrosine, which is neutral and polar, with cysteine, which is neutral and slightly polar, at codon 224 of the MANBA protein (p.Tyr224Cys). This variant is not present in population databases (gnomAD no frequency). This variant has not been reported in the literature in individuals affected with MANBA-related conditions. ClinVar contains an entry for this variant (Variation ID: 1717991). An algorithm developed to predict the effect of missense changes on protein structure and function (PolyPhen-2) suggests that this variant is likely to be disruptive. In summary, the available evidence is currently insufficient to determine the role of this variant in disease. Therefore, it has been classified as a Variant of Uncertain Significance.